The following is an entry in ClinVar:

NM_001099274.3(TINF2):c.1302C>T (p.His434=)

Gene: TINF2 (TERF1 interacting nuclear factor 2; minus strand). Cytogenetic location: 14q12.
Variant type: single nucleotide variant.
Coding change: c.1302C>T on transcript NM_001099274.3 (MANE Select); coding-DNA position 1302, C replaced by T.
Protein change: p.His434=; no amino-acid change (histidine 434 retained).
Molecular consequence: synonymous variant. On other transcripts: 3 prime UTR variant (1).
Genome position (GRCh38, 1-based): chr14:24,239,851, G>A on the plus strand (C>T on the coding strand, the complement: TINF2 is on the minus strand). VCF-style: chr14-24239851-G-A. GRCh37 (hg19) VCF-style: chr14-24709057-G-A.
Other names: c.1197C>T, p.His399= (NM_001363668.2); c.*564C>T (NM_012461.3); c.1302C>T (NM_001099274.1).
Identifiers: ClinVar variation 1081500 (VCV001081500.12), dbSNP rs568909774, ClinGen allele CA7130416.
Genomic context (GRCh38, chr14:24,239,851, plus strand): 5'-GTTCTATCACAAAGGTCTAGAACTGTCTCTACAGTCACAGGAAGAAACAGGTATGGCACC[G>A]TGGCCAGAAGGGGGTAGGTATTCACAGAGAGTGGGTATCAAGGTGTCAAACTTTGTCTTC-3'
Protein context (NP_001092744.1, residues 424-444): TLCEYLPPSG[His434=]GAIPVSSCDC

ClinVar aggregate classification (germline): Likely benign. Review status: criteria provided, multiple submitters, no conflicts (2 of 4 stars). 5 submissions from 5 submitters: Likely benign (3). 2 of the submissions do not count toward it. Last evaluated 2025-12-30.

Conditions:
Dyskeratosis congenita. Identifiers: Orphanet 1775, MedGen C0265965, MONDO:0015780.

Allele frequency attached by ClinVar (database versions not stated): TOPMed 0.00006; ExAC 0.00007; gnomAD 0.00008 and 0.00009; gnomAD exomes 0.00008; 1000 Genomes Project 30x 0.00031; 1000 Genomes Project 0.00040.

Submissions (5):

Labcorp Genetics (formerly Invitae), Labcorp
Classification: Likely benign for Dyskeratosis congenita. Last evaluated: 2025-12-30. Review status: criteria provided, single submitter. Criteria: Invitae Variant Classification Sherloc (09022015). Collection method: clinical testing. Allele origin: germline.

Women's Health and Genetics/Laboratory Corporation of America, LabCorp
Classification: Likely benign. Last evaluated: 2025-05-05. Review status: criteria provided, single submitter. Criteria: LabCorp Variant Classification Summary - May 2015. Collection method: clinical testing. Allele origin: germline.
Comment: Variant summary: TINF2 c.1302C>T results in a synonymous change. Consensus agreement among computation tools predict no significant impact on normal splicing. However, these predictions have yet to be confirmed by functional studies. The variant allele was found at a frequency of 7.6e-05 in 249584 control chromosomes (gnomAD). This frequency is not significantly higher than estimated for a pathogenic variant in TINF2 causing TINF2-Related Disorders, allowing no conclusion about variant significance. To our knowledge, no occurrence of c.1302C>T in individuals affected with TINF2-Related Disorders and no experimental evidence demonstrating its impact on protein function have been reported. ClinVar contains an entry for this variant (Variation ID: 1081500). Based on the evidence outlined above, the variant was classified as likely benign.

Ambry Genetics
Classification: Likely benign for Dyskeratosis congenita. Last evaluated: 2024-11-23. Review status: criteria provided, single submitter. Criteria: Ambry Variant Classification Scheme 2023. Collection method: clinical testing. Allele origin: germline.

Clinical Genetics DNA and cytogenetics Diagnostics Lab, Erasmus MC, Erasmus Medical Center
Classification: Likely benign. Review status: no assertion criteria provided. Collection method: clinical testing. Allele origin: germline. Affected: yes. Study: VKGL Data-share Consensus. Not counted in ClinVar's aggregate classification.

Genome Diagnostics Laboratory, University Medical Center Utrecht
Classification: Likely benign. Review status: no assertion criteria provided. Collection method: clinical testing. Allele origin: germline. Affected: yes. Study: VKGL Data-share Consensus. Not counted in ClinVar's aggregate classification.